The following is an entry in ClinVar:

ClinVar aggregate classification (germline): Pathogenic. Review status: reviewed by expert panel (3 of 4 stars). 9 submissions from 9 submitters: Pathogenic (1). 8 of the submissions do not count toward it. Last evaluated 2025-01-09.

Conditions:
CAPN3-related disorder. Also called: CAPN3-related disorders; CAPN3-related condition. Identifiers: MedGen CN239245.
Muscular dystrophy, limb-girdle, autosomal dominant 4. Also called: Calpain-3-related limb-girdle muscular dystrophy D4; MUSCULAR DYSTROPHY, LIMB-GIRDLE, TYPE 1I. Identifiers: Orphanet 565909, MedGen C4748295, MONDO:0029133, OMIM 618129.
Autosomal recessive limb-girdle muscular dystrophy. Identifiers: Orphanet 102015, MedGen C2931907, MONDO:0015152.
Autosomal recessive limb-girdle muscular dystrophy type 2A (LGMDR1). Also called: LEYDEN-MOEBIUS MUSCULAR DYSTROPHY; MUSCULAR DYSTROPHY, PELVOFEMORAL; Muscular dystrophy, limb-girdle, type 2A, Amish; Calpainopathy; Limb-girdle muscular dystrophy, type 2A. Identifiers: Orphanet 267, MedGen C1869123, MONDO:0009675, OMIM 253600. Disease mechanism: loss of function.

Submissions (9):

ClinGen Limb Girdle Muscular Dystrophy Variant Curation Expert Panel, ClinGen
Classification: Pathogenic for Autosomal recessive limb-girdle muscular dystrophy. Last evaluated: 2025-01-09. Review status: reviewed by expert panel. Criteria: ClinGen LGMD VCEP ACMG Specifications CAPN3 V1.0.0. Collection method: curation. Allele origin: germline. Inheritance: Autosomal recessive inheritance.
Comment: The NM_000070.3: c.2279dup p.(Asn760LysfsTer5) variant in CAPN3 is a frameshift variant predicted to cause a premature stop codon in biologically relevant exon 22/24, leading to nonsense mediated decay in a gene in which loss of function is an established disease mechanism (PVS1). This variant has been detected in at least four individuals with LGMD (PMID: 18055493, 30564623; LOVD CAPN3_000399), including in trans with a variant not yet curated by the VCEP and considered VUS in two cases (0.5 pts) (PM3_Supporting). At least one patient with this variant displayed progressive limb girdle muscle weakness or a clinical suspicion of LGMD (PP4). The highest population minor allele frequency of this variant is 0.000008797 (1/113680 exome alleles) in the European (non-Finnish) population in gnomAD v2.1.1, which is less than the LGMD VCEP threshold (<0.0001) for PM2_Supporting, meeting this criterion (PM2_Supporting). In summary, this variant meets the criteria to be classified as Pathogenic for autosomal recessive limb girdle muscular dystrophy based on the ACMG/AMP criteria applied, as specified by the ClinGen LGMD VCEP (LGMD VCEP specifications version 1.0.0; 01/09/2025): PVS1, PM3_Supporting, PP4, PM2_Supporting.

Blueprint Genetics
Classification: Likely pathogenic for CAPN3-related disorders. Last evaluated: 2024-07-19. Review status: criteria provided, single submitter. Criteria: ACMG Guidelines, 2015. Collection method: clinical testing. Allele origin: germline. Affected: yes. Observed: 1 variant allele. Not counted in ClinVar's aggregate classification.

Baylor Genetics
Classification: Pathogenic for Muscular dystrophy, limb-girdle, autosomal dominant 4. Last evaluated: 2024-01-09. Review status: criteria provided, single submitter. Criteria: ACMG Guidelines, 2015. Collection method: clinical testing. Allele origin: unknown. Not counted in ClinVar's aggregate classification.

Labcorp Genetics (formerly Invitae), Labcorp
Classification: Pathogenic for Autosomal recessive limb-girdle muscular dystrophy type 2A. Last evaluated: 2023-07-11. Review status: criteria provided, single submitter. Criteria: Invitae Variant Classification Sherloc (09022015). Collection method: clinical testing. Allele origin: germline. Not counted in ClinVar's aggregate classification.
Comment: For these reasons, this variant has been classified as Pathogenic. ClinVar contains an entry for this variant (Variation ID: 289082). This variant is also known as c.2278insA. This premature translational stop signal has been observed in individual(s) with autosomal recessive limb girdle muscular dystrophy (PMID: 18055493). This variant is not present in population databases (gnomAD no frequency). This sequence change creates a premature translational stop signal (p.Asn760Lysfs*5) in the CAPN3 gene. It is expected to result in an absent or disrupted protein product. Loss-of-function variants in CAPN3 are known to be pathogenic (PMID: 10330340, 15689361).

PreventionGenetics, part of Exact Sciences
Classification: Pathogenic for CAPN3-related condition. Last evaluated: 2023-04-28. Review status: criteria provided, single submitter. Criteria: ACMG Guidelines, 2015. Collection method: clinical testing. Allele origin: germline. Not counted in ClinVar's aggregate classification.
Comment: The CAPN3 c.2279dupA variant is predicted to result in a frameshift and premature protein termination (p.Asn760Lysfs*5). This variant was reported in the compound heterozygous state in an individual with limb-girdle muscular dystrophy 2A (Groen et al 2007. PubMed ID: 18055493). This variant is reported in 0.00088% of alleles in individuals of European (Non-Finnish) descent in gnomAD. Frameshift variants in CAPN3 are expected to be pathogenic. This variant is interpreted as pathogenic.

GeneDx
Classification: Likely pathogenic. Last evaluated: 2022-05-25. Review status: criteria provided, single submitter. Criteria: GeneDx Variant Classification Process June 2021. Collection method: clinical testing. Allele origin: germline. Affected: yes. Not counted in ClinVar's aggregate classification.
Comment: Observed with a pathogenic variant (p.Arg490Trp) in a patient in the published literature with Limb-girdle muscular dystrophy, but it is unknown whether the variants occurred on the same allele (in cis) or on different alleles (in trans) (Groen et al., 2007); Frameshift variant predicted to result in protein truncation or nonsense mediated decay in a gene for which loss of function is a known mechanism of disease; Not observed at significant frequency in large population cohorts (gnomAD); This variant is associated with the following publications: (PMID: 18055493)

Revvity Omics, Revvity
Classification: Pathogenic. Last evaluated: 2021-10-12. Review status: criteria provided, single submitter. Criteria: ACMG Guidelines, 2015. Collection method: clinical testing. Allele origin: germline. Not counted in ClinVar's aggregate classification.

Eurofins Ntd Llc (ga)
Classification: Pathogenic. Last evaluated: 2016-07-01. Review status: criteria provided, single submitter. Criteria: EGL Classification Definitions. Collection method: clinical testing. Allele origin: germline. Observed: 1 variant allele, 1 heterozygote. Not counted in ClinVar's aggregate classification.
Comment: The c.2279dupA CAPN3 pathogenic variant has been reported in individuals with LGMD2A1,2 and is of a type expected to cause disease. 1. Groen et al. Brain. 2007 Dec;130(Pt 12):3237-49. 2. AKT 7-1-16

Counsyl
Classification: Likely pathogenic for Autosomal recessive limb-girdle muscular dystrophy type 2A. Last evaluated: 2017-11-09. Review status: no assertion criteria provided. Collection method: clinical testing. Allele origin: unknown. Not counted in ClinVar's aggregate classification.

Literature cited by the submitters: PubMed 18055493 (cited by Labcorp Genetics (formerly Invitae), Labcorp and Counsyl); PubMed 10330340 (cited by Labcorp Genetics (formerly Invitae), Labcorp); PubMed 15689361 (cited by Labcorp Genetics (formerly Invitae), Labcorp).

NM_000070.3(CAPN3):c.2279dup (p.Asn760fs)

Gene: CAPN3 (calpain 3; plus strand). Cytogenetic location: 15q15.1.
Variant type: Duplication.
Coding change: c.2279dup on transcript NM_000070.3 (MANE Select); coding-DNA position 2279, one base duplicated (A; older notation c.2279dupA).
Protein change: p.Asn760fs; shifts the reading frame from asparagine 760.
Molecular consequence: frameshift variant.
Genome position (GRCh38, 1-based): chr15:42,410,899, A duplicated; the last of 2 consecutive A bases (chr15:42,410,898-42,410,899); duplicating either gives the same sequence. VCF-style (leftmost placement, unchanged base first): chr15-42410897-C-CA. GRCh37 (hg19) VCF-style: chr15-42703095-C-CA.
Other names: NM_000070.3(CAPN3):c.2279dup; p.Asn760fs; c.2279dupA (NM_000070.2); c.2261dup, p.Asn754fs (NM_024344.2); c.2003dup, p.Asn668fs (NM_173087.2); c.743dup, p.Asn248fs (NM_173088.2); c.284dup, p.Asn95fs (NM_173089.2, NM_173090.2); c.2279dup (NM_000070.2); short protein forms N95fs, N668fs, N760fs, N248fs, N754fs.
Identifiers: ClinVar variation 289082 (VCV000289082.22), dbSNP rs775130589, ClinGen allele CA7511816.